The following is an entry in ClinVar:

ClinVar aggregate classification (germline): Benign. Review status: criteria provided, multiple submitters, no conflicts (2 of 4 stars). 5 submissions from 5 submitters: Benign (4). 1 of the submissions does not count toward it. Last evaluated 2026-01-26.

Conditions:
Spastic paraplegia. Identifiers: MedGen C0037772, HP:0001258.
B4GALNT1-related disorder. Also called: B4GALNT1-related condition.

Allele frequency attached by ClinVar (database versions not stated): gnomAD exomes 0.00167 and 0.00467; ExAC 0.00558; gnomAD 0.01814 and 0.01969; 1000 Genomes Project 0.01817; ESP Exome Variant Server 0.01822; 1000 Genomes Project 30x 0.01905; TOPMed 0.02056.
gnomAD v4.1: 5,289 of 1,614,100 alleles (0.33%); highest among the groups gnomAD compares: African/African-American, 6.2%; 160 homozygotes.

Submissions (5):

Labcorp Genetics (formerly Invitae), Labcorp
Classification: Benign for Spastic paraplegia. Last evaluated: 2026-01-26. Review status: criteria provided, single submitter. Criteria: Invitae Variant Classification Sherloc (09022015). Collection method: clinical testing. Allele origin: germline.

Mayo Clinic Laboratories, Mayo Clinic
Classification: Benign. Last evaluated: 2024-03-19. Review status: criteria provided, single submitter. Criteria: ACMG Guidelines, 2015. Collection method: clinical testing. Allele origin: germline. Observed: 13 variant alleles.
Comment: BA1, BP4, BP7

GeneDx
Classification: Benign. Last evaluated: 2016-11-06. Review status: criteria provided, single submitter. Criteria: GeneDx Variant Classification (06012015). Collection method: clinical testing. Allele origin: germline. Affected: yes.
Comment: This variant is considered likely benign or benign based on one or more of the following criteria: it is a conservative change, it occurs at a poorly conserved position in the protein, it is predicted to be benign by multiple in silico algorithms, and/or has population frequency not consistent with disease.

Breakthrough Genomics
Classification: Benign. Review status: criteria provided, single submitter. Criteria: ACMG Guidelines, 2015. Collection method: not provided. Allele origin: germline. Inheritance: Autosomal recessive inheritance. Affected: yes.

PreventionGenetics, part of Exact Sciences
Classification: Benign for B4GALNT1-related condition. Last evaluated: 2020-01-24. Review status: no assertion criteria provided. Collection method: clinical testing. Allele origin: germline. Not counted in ClinVar's aggregate classification.
Comment: This variant is classified as benign based on ACMG/AMP sequence variant interpretation guidelines (Richards et al. 2015 PMID: 25741868, with internal and published modifications).

NM_001478.5(B4GALNT1):c.1119G>A (p.Val373=)

Gene: B4GALNT1 (beta-1,4-N-acetyl-galactosaminyltransferase 1; minus strand). Cytogenetic location: 12q13.3.
Variant type: single nucleotide variant.
Coding change: c.1119G>A on transcript NM_001478.5 (MANE Select); coding-DNA position 1119, G replaced by A.
Protein change: p.Val373=; no amino-acid change (valine 373 retained).
Molecular consequence: synonymous variant.
Genome position (GRCh38, 1-based): chr12:57,628,146, C>T on the plus strand (G>A on the coding strand, the complement: B4GALNT1 is on the minus strand). VCF-style: chr12-57628146-C-T. GRCh37 (hg19) VCF-style: chr12-58021929-C-T.
Other names: p.Val373=; c.954G>A, p.Val318= (NM_001276468.2).
Identifiers: ClinVar variation 239025 (VCV000239025.15), dbSNP rs61649746, ClinGen allele CA6655536.
Genomic context (GRCh38, chr12:57,628,146, plus strand): 5'-CTTCTCCACCCCCACATCCTGCAGCCCCTGCCCTACCAGGTCCAGCGGCGTCCGCTCCAG[C>T]ACGTCCACAAGCCTCTCCAGCCGCGTCCGCGCCGTGAAGACGAAGTCGTCGTCCACCCAC-3'
Protein context (NP_001469.1, residues 363-383): ARTRLERLVD[Val373=]LERTPLDLVG